The following is an entry in ClinVar:

NM_001330588.2(TPP2):c.3240+19G>A

Gene: TPP2 (tripeptidyl peptidase 2; plus strand). Cytogenetic location: 13q33.1.
Variant type: single nucleotide variant.
Coding change: c.3240+19G>A on transcript NM_001330588.2 (MANE Select); 19 bases into the intron after coding-DNA position 3240, G replaced by A.
Molecular consequence: intron variant.
Genome position (GRCh38, 1-based): chr13:102,663,763, G>A. VCF-style: chr13-102663763-G-A. GRCh37 (hg19) VCF-style: chr13-103316113-G-A.
Other names: c.3201+19G>A (NM_001367947.1, NM_003291.4).
Identifiers: ClinVar variation 1168168 (VCV001168168.12), dbSNP rs7334625, ClinGen allele CA7038224.

ClinVar aggregate classification (germline): Benign. Review status: criteria provided, multiple submitters, no conflicts (2 of 4 stars). 3 submissions from 3 submitters: Benign (3). Last evaluated 2026-02-04.

Conditions:
Evans syndrome, immunodeficiency, and premature immunosenescence associated with tripeptidyl-peptidase II deficiency. Identifiers: MedGen CN231723. Disease mechanism: loss of function.

Allele frequency attached by ClinVar (database versions not stated): gnomAD exomes 0.44956 and 0.47265; ExAC 0.46955; 1000 Genomes Project 0.47364; 1000 Genomes Project 30x 0.47486; gnomAD 0.49670 and 0.50186; TOPMed 0.49704; ESP Exome Variant Server 0.52253.
gnomAD v4.1: 732,786 of 1,543,692 alleles (47%); highest among the groups gnomAD compares: African/African-American, 60%; 175,917 homozygotes.

Submissions (3):

Labcorp Genetics (formerly Invitae), Labcorp
Classification: Benign for Evans syndrome, immunodeficiency, and premature immunosenescence associated with tripeptidyl-peptidase II deficiency. Last evaluated: 2026-02-04. Review status: criteria provided, single submitter. Criteria: Invitae Variant Classification Sherloc (09022015). Collection method: clinical testing. Allele origin: germline.

Unidad de Genómica Garrahan, Hospital de Pediatría Garrahan
Classification: Benign. Last evaluated: 2023-11-12. Review status: criteria provided, single submitter. Criteria: ACMG Guidelines, 2015. Collection method: clinical testing. Allele origin: germline. Affected: no. Observed: 51 variant alleles.
Comment: This variant is classified as Benign based on local population frequency. This variant was detected in 53% of patients studied by a panel of primary immunodeficiencies. Number of patients: 51. Only high quality variants are reported.

Breakthrough Genomics
Classification: Benign. Review status: criteria provided, single submitter. Criteria: ACMG Guidelines, 2015. Collection method: not provided. Allele origin: germline. Inheritance: Autosomal recessive inheritance. Affected: yes.